The following is an entry in ClinVar:

NM_001164508.2(NEB):c.23795del (p.Glu7932fs)

Genes: NEB (nebulin; minus strand), RIF1 (replication timing regulatory factor 1; plus strand). Cytogenetic location: 2q23.3.
Variant type: Deletion.
Coding change: c.23795del on transcript NM_001164508.2 (MANE Select); coding-DNA position 23795, one base deleted (A; older notation c.23795delA).
Protein change: p.Glu7932fs; shifts the reading frame from glutamic acid 7932.
Molecular consequence: frameshift variant.
Genome position (GRCh38, 1-based): chr2:151,503,389, T deleted on the plus strand (A on the coding strand, the reverse complement: NEB is on the minus strand). VCF-style (leftmost placement, unchanged base first): chr2-151503388-CT-C. GRCh37 (hg19) VCF-style: chr2-152359902-CT-C.
Other names: NM_001164508.2(NEB):c.23795del; p.Glu7932fs; c.23900del, p.Glu7967fs (NM_001271208.2); c.23795del, p.Glu7932fs (NM_001164507.2); c.18692del, p.Glu6231fs (NM_004543.5); short protein forms E6231fs, E7932fs, E7967fs.
Identifiers: ClinVar variation 1324789 (VCV001324789.5), dbSNP rs1396689726, ClinGen allele CA536641994.

ClinVar aggregate classification (germline): Likely pathogenic. Review status: criteria provided, multiple submitters, no conflicts (2 of 4 stars). 2 submissions from 2 submitters: Likely pathogenic (2). Last evaluated 2025-02-28.

Conditions:
Nemaline myopathy. Also called: Myopathies, Nemaline. Identifiers: Orphanet 607, MedGen C0206157, MONDO:0018958.

Allele frequency attached by ClinVar (database versions not stated): gnomAD exomes below 0.00001.

Submissions (2):

Broad Center for Mendelian Genomics, Broad Institute of MIT and Harvard
Classification: Likely pathogenic for Nemaline myopathy. Last evaluated: 2025-02-28. Review status: criteria provided, single submitter. Criteria: ACMG Guidelines, 2015. Collection method: curation. Allele origin: germline. Inheritance: Autosomal recessive inheritance.
Comment: The p.Glu7932GlyfsTer52 variant in NEB has not been previously reported in the literature in individuals with nemaline myopathy, but has been identified in 0.0003% (3/1179130) of European (non-Finnish) chromosomes by the Genome Aggregation Database (gnomAD; dbSNP ID: rs1396689726). Although this variant has been seen in the general population in a heterozygous state, its frequency is low enough to be consistent with a recessive carrier frequency. This variant has also been reported in ClinVar (Variation ID: 1324789) and has been interpreted as likely pathogenic by Revvity Omics. This variant is predicted to cause a frameshift, which alters the protein‚Äôs amino acid sequence beginning at position 7932 and leads to a premature termination codon 52 amino acids downstream. Loss of function of the NEB gene is an established disease mechanism in autosomal recessive nemaline myopathy. In summary, although additional studies are required to fully establish its clinical significance, this variant is likely pathogenic for autosomal recessive nemaline myopathy. ACMG/AMP Criteria applied: PVS1, PM2_supporting (Richards 2015).

Revvity Omics, Revvity
Classification: Likely pathogenic. Last evaluated: 2021-04-27. Review status: criteria provided, single submitter. Criteria: ACMG Guidelines, 2015. Collection method: clinical testing. Allele origin: germline.